The following is an entry in ClinVar:

ClinVar aggregate classification (germline): Benign (1 of 4 stars; one submission).

Allele frequency attached by ClinVar (database versions not stated): 1000 Genomes Project 0.12839; 1000 Genomes Project 30x 0.13023; gnomAD 0.14057 and 0.14365; TOPMed 0.14614.
gnomAD v4.1: 21,526 of 152,110 alleles (14%); highest among the groups gnomAD compares: Middle Eastern, 19%; 1,561 homozygotes.

Submission:

GeneDx
Classification: Benign. Last evaluated: 2018-06-14. Review status: criteria provided, single submitter. Criteria: GeneDx Variant Classification (06012015). Collection method: clinical testing. Allele origin: germline. Affected: yes.
Comment: This variant is considered likely benign or benign based on one or more of the following criteria: it is a conservative change, it occurs at a poorly conserved position in the protein, it is predicted to be benign by multiple in silico algorithms, and/or has population frequency not consistent with disease.

NM_012062.5(DNM1L):c.872+187C>T

Gene: DNM1L (dynamin 1 like; plus strand). Cytogenetic location: 12p11.21.
Variant type: single nucleotide variant.
Coding change: c.872+187C>T on transcript NM_012062.5 (MANE Select); 187 bases into the intron after coding-DNA position 872, C replaced by T.
Molecular consequence: intron variant.
Genome position (GRCh38, 1-based): chr12:32,720,982, C>T. VCF-style: chr12-32720982-C-T. GRCh37 (hg19) VCF-style: chr12-32873916-C-T.
Other names: c.911+187C>T (NM_001278464.2, NM_001278465.2, NM_001330380.2); c.263+187C>T (NM_001278466.2); c.872+187C>T (NM_001278463.2, NM_012063.4, NM_005690.5).
Identifiers: ClinVar variation 678116 (VCV000678116.1), dbSNP rs11052203, ClinGen allele CA15739122.